The following is an entry in ClinVar:

ClinVar aggregate classification (germline): Likely benign (1 of 4 stars; one submission).

gnomAD v4.1: 130 of 1,613,944 alleles (0.0081%); highest among the groups gnomAD compares: African/African-American, 0.11%; no homozygotes.

Submission:

CeGaT Center for Human Genetics Tuebingen
Classification: Likely benign. Last evaluated: 2026-06-01. Review status: criteria provided, single submitter. Criteria: CeGaT Center For Human Genetics Tuebingen Variant Classification Criteria Version 2. Collection method: clinical testing. Allele origin: germline. Affected: yes. Observed: 1 variant allele.
Comment: NRXN3: BP4, BP7

NM_001330195.2(NRXN3):c.1131G>A (p.Ser377=)

Gene: NRXN3 (neurexin 3; plus strand). Cytogenetic location: 14q24.3.
Variant type: single nucleotide variant.
Coding change: c.1131G>A on transcript NM_001330195.2 (MANE Select); coding-DNA position 1131, G replaced by A.
Protein change: p.Ser377=; no amino-acid change (serine 377 retained).
Molecular consequence: synonymous variant. On other transcripts: non-coding transcript variant (4).
Genome position (GRCh38, 1-based): chr14:78,651,236, G>A. VCF-style: chr14-78651236-G-A. GRCh37 (hg19) VCF-style: chr14-79117579-G-A.
Other names: c.1131G>A, p.Ser377= (NM_001366425.1); c.1143G>A, p.Ser381= (NM_001366426.1); c.12G>A, p.Ser4= (NM_004796.6).
Identifiers: ClinVar variation 4872098 (VCV004872098.2).